The following is an entry in ClinVar:

ClinVar aggregate classification (germline): Uncertain significance (1 of 4 stars; one submission).

Conditions:
RASopathy. Also called: rasopathies; Noonan spectrum disorder. Identifiers: Orphanet 536391, MedGen C5555857, MONDO:0021060.

Submission:

Labcorp Genetics (formerly Invitae), Labcorp
Classification: Uncertain significance for RASopathy. Last evaluated: 2022-02-02. Review status: criteria provided, single submitter. Criteria: Invitae Variant Classification Sherloc (09022015). Collection method: clinical testing. Allele origin: germline.
Comment: In summary, the available evidence is currently insufficient to determine the role of this variant in disease. Therefore, it has been classified as a Variant of Uncertain Significance. Advanced modeling of protein sequence and biophysical properties (such as structural, functional, and spatial information, amino acid conservation, physicochemical variation, residue mobility, and thermodynamic stability) performed at Invitae indicates that this missense variant is not expected to disrupt CBL protein function. This variant has not been reported in the literature in individuals affected with CBL-related conditions. This variant is not present in population databases (gnomAD no frequency). This sequence change replaces aspartic acid, which is acidic and polar, with asparagine, which is neutral and polar, at codon 465 of the CBL protein (p.Asp465Asn).

NM_005188.4(CBL):c.1393G>A (p.Asp465Asn)

Gene: CBL (Cbl proto-oncogene; plus strand). Cytogenetic location: 11q23.3.
Variant type: single nucleotide variant.
Coding change: c.1393G>A on transcript NM_005188.4 (MANE Select); coding-DNA position 1393, G replaced by A.
Protein change: p.Asp465Asn; replaces aspartic acid 465 with asparagine.
Molecular consequence: missense variant.
Genome position (GRCh38, 1-based): chr11:119,278,675, G>A. VCF-style: chr11-119278675-G-A. GRCh37 (hg19) VCF-style: chr11-119149385-G-A.
Other names: short protein forms D465N.
Identifiers: ClinVar variation 1462321 (VCV001462321.8), dbSNP rs2135304845, ClinGen allele CA382914685.